The following is an entry in ClinVar:

NM_001211.6(BUB1B):c.2756G>T (p.Arg919Met)

Genes: BUB1B (BUB1 mitotic checkpoint serine/threonine kinase B; plus strand), BUB1B-PAK6 (BUB1B-PAK6 readthrough; plus strand). Cytogenetic location: 15q15.1.
Variant type: single nucleotide variant.
Coding change: c.2756G>T on transcript NM_001211.6 (MANE Select); coding-DNA position 2756, G replaced by T.
Protein change: p.Arg919Met; replaces arginine 919 with methionine.
Molecular consequence: missense variant. On other transcripts: 5 prime UTR variant (2).
Genome position (GRCh38, 1-based): chr15:40,217,573, G>T. VCF-style: chr15-40217573-G-T. GRCh37 (hg19) VCF-style: chr15-40509774-G-T.
Other names: c.-295G>T (NM_001128628.3); c.-212G>T (NM_001128629.3); short protein forms R919M.
Identifiers: ClinVar variation 4216968 (VCV004216968.1).

ClinVar aggregate classification (germline): Uncertain significance (1 of 4 stars; one submission).

Conditions:
Inborn genetic diseases. Identifiers: MedGen C0950123, MeSH D030342.

Submission:

Ambry Genetics
Classification: Uncertain significance for Inborn genetic diseases. Last evaluated: 2025-08-25. Review status: criteria provided, single submitter. Criteria: Ambry Variant Classification Scheme 2023. Collection method: clinical testing. Allele origin: germline.
Comment: The p.R919M variant (also known as c.2756G>T), located in coding exon 21 of the BUB1B gene, results from a G to T substitution at nucleotide position 2756. The arginine at codon 919 is replaced by methionine, an amino acid with similar properties. This amino acid position is conserved. In addition, this alteration is predicted to be tolerated by in silico analysis. Based on the available evidence, the clinical significance of this variant remains unclear.